The following is an entry in ClinVar:

NM_001519.4(BRF1):c.35C>T (p.Thr12Met)

Gene: BRF1 (BRF1 general transcription factor IIIB subunit; minus strand). Cytogenetic location: 14q32.33.
Variant type: single nucleotide variant.
Coding change: c.35C>T on transcript NM_001519.4 (MANE Select); coding-DNA position 35, C replaced by T.
Protein change: p.Thr12Met; replaces threonine 12 with methionine.
Molecular consequence: missense variant. On other transcripts: intron variant (2).
Genome position (GRCh38, 1-based): chr14:105,300,595, G>A on the plus strand (C>T on the coding strand, the complement: BRF1 is on the minus strand). VCF-style: chr14-105300595-G-A. GRCh37 (hg19) VCF-style: chr14-105766932-G-A.
Other names: c.35C>T, p.Thr12Met (NM_001242788.2, NM_001242790.2); c.-161-14219C>T (NM_001242787.2, NM_001242786.2); short protein forms T12M.
Identifiers: ClinVar variation 3895568 (VCV003895568.2).

ClinVar aggregate classification (germline): Uncertain significance (1 of 4 stars; one submission).

gnomAD v4.1: 403 of 1,454,744 alleles (0.028%); highest among the groups gnomAD compares: Middle Eastern, 0.38%; 2 homozygotes.

Submission:

Women's Health and Genetics/Laboratory Corporation of America, LabCorp
Classification: Uncertain significance. Last evaluated: 2026-04-21. Review status: criteria provided, single submitter. Criteria: LabCorp Variant Classification Summary - May 2015. Collection method: clinical testing. Allele origin: germline.
Comment: Variant summary: BRF1 c.35C>T (p.Thr12Met) results in a non-conservative amino acid change in the encoded protein sequence. Algorithms developed to predict the effect of missense changes on protein structure and function are either unavailable or do not agree on the potential impact of this missense change. The variant allele was found at a frequency of 0.00033 in 74914 control chromosomes in the gnomAD database, including 1 homozygote. This frequency is not significantly higher than estimated for disease-causing variants in BRF1, allowing no conclusion about variant significance. To our knowledge, no occurrence of c.35C>T in individuals affected with BRF1-related conditions and no experimental evidence demonstrating its impact on protein function have been reported. ClinVar contains an entry for this variant (Variation ID: 3895568). Based on the evidence outlined above, the variant was classified as uncertain significance.